The following is an entry in ClinVar:

ClinVar aggregate classification (germline): Uncertain significance (1 of 4 stars; one submission).

Conditions:
Congenital myopathy with internal nuclei and atypical cores. Also called: Myopathy, centronuclear, 4. Identifiers: Orphanet 319160, MedGen C4707232, MONDO:0013890, OMIM 614807.

Allele frequency attached by ClinVar (database versions not stated): gnomAD exomes below 0.00001; TOPMed below 0.00001.

Submission:

Labcorp Genetics (formerly Invitae), Labcorp
Classification: Uncertain significance for Congenital myopathy with internal nuclei and atypical cores. Last evaluated: 2021-06-09. Review status: criteria provided, single submitter. Criteria: Invitae Variant Classification Sherloc (09022015). Collection method: clinical testing. Allele origin: germline.
Comment: In summary, the available evidence is currently insufficient to determine the role of this variant in disease. Therefore, it has been classified as a Variant of Uncertain Significance. Algorithms developed to predict the effect of missense changes on protein structure and function are either unavailable or do not agree on the potential impact of this missense change (SIFT: "Tolerated"; PolyPhen-2: "Probably Damaging"; Align-GVGD: "Class C15"). This variant has not been reported in the literature in individuals with CCDC78-related conditions. This variant is not present in population databases (ExAC no frequency). This sequence change replaces alanine with aspartic acid at codon 204 of the CCDC78 protein (p.Ala204Asp). The alanine residue is moderately conserved and there is a moderate physicochemical difference between alanine and aspartic acid.

NM_001378030.1(CCDC78):c.611C>A (p.Ala204Asp)

Gene: CCDC78 (coiled-coil domain containing 78; minus strand). Cytogenetic location: 16p13.3.
Variant type: single nucleotide variant.
Coding change: c.611C>A on transcript NM_001378030.1 (MANE Select); coding-DNA position 611, C replaced by A.
Protein change: p.Ala204Asp; replaces alanine 204 with aspartic acid.
Molecular consequence: missense variant. On other transcripts: non-coding transcript variant (5), intron variant (1).
Genome position (GRCh38, 1-based): chr16:724,939, G>T on the plus strand (C>A on the coding strand, the complement: CCDC78 is on the minus strand). VCF-style: chr16-724939-G-T. GRCh37 (hg19) VCF-style: chr16-774939-G-T.
Other names: c.611C>A, p.Ala204Asp (NM_001031737.3, NM_001378031.1); c.198+139C>A (NM_001378033.1); short protein forms A204D.
Identifiers: ClinVar variation 1356293 (VCV001356293.8), dbSNP rs2040706093, ClinGen allele CA394101985.
Genomic context (GRCh38, chr16:724,939, plus strand): 5'-CAGGTCTCCAAGCAGTCAGGGCAGAGCCTCACCACAGCCTGTGTGGCCAGTCGCTGCCCG[G>T]CTGCCCTGGCCTCCTCTCGGGCTCCCTGCAGCTGCCGGCCCAGGGTTGCCCTGAAGACAC-3'
Protein context (NP_001364959.1, residues 194-214): LQGAREEARA[Ala204Asp]GQRLATQAVV